The following is an entry in ClinVar:

ClinVar aggregate classification (germline): Uncertain significance. Review status: criteria provided, multiple submitters, no conflicts (2 of 4 stars). 2 submissions from 2 submitters: Uncertain significance (2). Last evaluated 2025-02-21.

Conditions:
Inborn genetic diseases. Identifiers: MedGen C0950123, MeSH D030342.

gnomAD v4.1: 20 of 1,608,418 alleles (0.0012%); highest among the groups gnomAD compares: African/African-American, 0.027%; no homozygotes.

Submissions (2):

Ambry Genetics
Classification: Uncertain significance for Inborn genetic diseases. Last evaluated: 2025-02-21. Review status: criteria provided, single submitter. Criteria: Ambry Variant Classification Scheme 2023. Collection method: clinical testing. Allele origin: germline.

GeneDx
Classification: Uncertain significance. Last evaluated: 2024-03-24. Review status: criteria provided, single submitter. Criteria: GeneDx Variant Classification Process June 2021. Collection method: clinical testing. Allele origin: germline. Affected: yes.
Comment: In silico analysis supports that this missense variant has a deleterious effect on protein structure/function; Has not been previously published as pathogenic or benign to our knowledge

NM_016030.6(TRAPPC12):c.634G>T (p.Asp212Tyr)

Gene: TRAPPC12 (trafficking protein particle complex subunit 12; plus strand). Cytogenetic location: 2p25.3.
Variant type: single nucleotide variant.
Coding change: c.634G>T on transcript NM_016030.6 (MANE Select); coding-DNA position 634, G replaced by T.
Protein change: p.Asp212Tyr; replaces aspartic acid 212 with tyrosine.
Molecular consequence: missense variant.
Genome position (GRCh38, 1-based): chr2:3,388,257, G>T. VCF-style: chr2-3388257-G-T. GRCh37 (hg19) VCF-style: chr2-3392028-G-T.
Other names: c.634G>T, p.Asp212Tyr (NM_001321102.2); short protein forms D212Y.
Identifiers: ClinVar variation 3371489 (VCV003371489.2).